The following is an entry in ClinVar:

NM_003742.4(ABCB11):c.2449-9A>C

Gene: ABCB11 (ATP binding cassette subfamily B member 11; minus strand). Cytogenetic location: 2q31.1.
Variant type: single nucleotide variant.
Coding change: c.2449-9A>C on transcript NM_003742.4 (MANE Select); 9 bases into the intron before coding-DNA position 2449, A replaced by C.
Molecular consequence: intron variant.
Genome position (GRCh38, 1-based): chr2:168,944,775, T>G on the plus strand (A>C on the coding strand, the complement: ABCB11 is on the minus strand). VCF-style: chr2-168944775-T-G. GRCh37 (hg19) VCF-style: chr2-169801285-T-G.
Other names: c.2449-9A>C (LRG_1199t1).
Identifiers: ClinVar variation 512402 (VCV000512402.14), dbSNP rs376959410, ClinGen allele CA1951274.

ClinVar aggregate classification (germline): Likely benign. Review status: criteria provided, multiple submitters, no conflicts (2 of 4 stars). 3 submissions from 3 submitters: Likely benign (2). 1 of the submissions does not count toward it. Last evaluated 2024-01-29.

Conditions:
ABCB11-related disorder. Also called: ABCB11-related condition.

Allele frequency attached by ClinVar (database versions not stated): ESP Exome Variant Server 0.00008; ExAC 0.00006; TOPMed 0.00017; 1000 Genomes Project 30x 0.00031; gnomAD exomes 0.00004; gnomAD 0.00019 and 0.00023; 1000 Genomes Project 0.00040.
gnomAD v4.1: 55 of 1,611,306 alleles (0.0034%); highest among the groups gnomAD compares: African/African-American, 0.064%; no homozygotes.

Submissions (3):

Labcorp Genetics (formerly Invitae), Labcorp
Classification: Likely benign. Last evaluated: 2024-01-29. Review status: criteria provided, single submitter. Criteria: Invitae Variant Classification Sherloc (09022015). Collection method: clinical testing. Allele origin: germline.

GeneDx
Classification: Likely benign. Last evaluated: 2017-10-13. Review status: criteria provided, single submitter. Criteria: GeneDx Variant Classification (06012015). Collection method: clinical testing. Allele origin: germline. Affected: yes.
Comment: This variant is considered likely benign or benign based on one or more of the following criteria: it is a conservative change, it occurs at a poorly conserved position in the protein, it is predicted to be benign by multiple in silico algorithms, and/or has population frequency not consistent with disease.

PreventionGenetics, part of Exact Sciences
Classification: Likely benign for ABCB11-related condition. Last evaluated: 2022-10-25. Review status: no assertion criteria provided. Collection method: clinical testing. Allele origin: germline. Not counted in ClinVar's aggregate classification.
Comment: This variant is classified as likely benign based on ACMG/AMP sequence variant interpretation guidelines (Richards et al. 2015 PMID: 25741868, with internal and published modifications).